The following is an entry in ClinVar:

NM_002361.4(MAG):c.1681G>A (p.Asp561Asn)

Gene: MAG (myelin associated glycoprotein; plus strand). Cytogenetic location: 19q13.12.
Variant type: single nucleotide variant.
Coding change: c.1681G>A on transcript NM_002361.4 (MANE Select); coding-DNA position 1681, G replaced by A.
Protein change: p.Asp561Asn; replaces aspartic acid 561 with asparagine.
Molecular consequence: missense variant.
Genome position (GRCh38, 1-based): chr19:35,311,982, G>A. VCF-style: chr19-35311982-G-A. GRCh37 (hg19) VCF-style: chr19-35802885-G-A.
Other names: c.1606G>A, p.Asp536Asn (NM_001199216.2); c.1681G>A, p.Asp561Asn (NM_080600.3); short protein forms D536N, D561N.
Identifiers: ClinVar variation 1417491 (VCV001417491.6), dbSNP rs201165241, ClinGen allele CA307759549.
Genomic context (GRCh38, chr19:35,311,982, plus strand): 5'-AACGTGACAGAGAGCCCCAGCTTCTCGGCAGGGGACAACCCTCCCGTCCTGTTCAGCAGC[G>A]ACTTCCGCATCTCTGGGGCACCAGAGAAGTACGAGGTAAGGACCAGGCTCCAGGCTGGCC-3'
Protein context (NP_002352.1, residues 551-571): GDNPPVLFSS[Asp561Asn]FRISGAPEKY

ClinVar aggregate classification (germline): Uncertain significance (1 of 4 stars; one submission).

Conditions:
Hereditary spastic paraplegia 75. Also called: Spastic paraplegia 75, autosomal recessive. Identifiers: Orphanet 459056, MedGen C4225250, MONDO:0014729, OMIM 616680.

Allele frequency attached by ClinVar (database versions not stated): gnomAD 0.00001; gnomAD exomes 0.00002.
gnomAD v4.1: 38 of 1,613,156 alleles (0.0024%); highest among the groups gnomAD compares: Admixed American, 0.005%; no homozygotes.

Submission:

Labcorp Genetics (formerly Invitae), Labcorp
Classification: Uncertain significance for Hereditary spastic paraplegia 75. Last evaluated: 2025-02-03. Review status: criteria provided, single submitter. Criteria: Invitae Variant Classification Sherloc (09022015). Collection method: clinical testing. Allele origin: germline.
Comment: This sequence change replaces aspartic acid, which is acidic and polar, with asparagine, which is neutral and polar, at codon 561 of the MAG protein (p.Asp561Asn). This variant is present in population databases (rs201165241, gnomAD 0.009%). This variant has not been reported in the literature in individuals affected with MAG-related conditions. ClinVar contains an entry for this variant (Variation ID: 1417491). An algorithm developed to predict the effect of missense changes on protein structure and function (PolyPhen-2) suggests that this variant is likely to be tolerated. In summary, the available evidence is currently insufficient to determine the role of this variant in disease. Therefore, it has been classified as a Variant of Uncertain Significance.